The following is an entry in ClinVar:

ClinVar aggregate classification (germline): Uncertain significance. Review status: criteria provided, multiple submitters, no conflicts (2 of 4 stars). 2 submissions from 2 submitters: Uncertain significance (2). Last evaluated 2022-05-09.

Submissions (2):

Blueprint Genetics
Classification: Uncertain significance. Last evaluated: 2022-05-09. Review status: criteria provided, single submitter. Criteria: ACMG Guidelines, 2015. Collection method: clinical testing. Allele origin: germline.

Labcorp Genetics (formerly Invitae), Labcorp
Classification: Uncertain significance. Last evaluated: 2022-02-24. Review status: criteria provided, single submitter. Criteria: Invitae Variant Classification Sherloc (09022015). Collection method: clinical testing. Allele origin: germline.
Comment: In summary, the available evidence is currently insufficient to determine the role of this variant in disease. Therefore, it has been classified as a Variant of Uncertain Significance. Algorithms developed to predict the effect of sequence changes on RNA splicing suggest that this variant may create or strengthen a splice site. Algorithms developed to predict the effect of missense changes on protein structure and function (SIFT, PolyPhen-2, Align-GVGD) all suggest that this variant is likely to be tolerated. ClinVar contains an entry for this variant (Variation ID: 849099). This variant has not been reported in the literature in individuals affected with DHX38-related conditions. This variant is not present in population databases (gnomAD no frequency). This sequence change replaces alanine, which is neutral and non-polar, with valine, which is neutral and non-polar, at codon 33 of the DHX38 protein (p.Ala33Val).

NM_014003.4(DHX38):c.98C>T (p.Ala33Val)

Gene: DHX38 (DEAH-box helicase 38; plus strand). Cytogenetic location: 16q22.2.
Variant type: single nucleotide variant.
Coding change: c.98C>T on transcript NM_014003.4 (MANE Select); coding-DNA position 98, C replaced by T.
Protein change: p.Ala33Val; replaces alanine 33 with valine.
Molecular consequence: missense variant.
Genome position (GRCh38, 1-based): chr16:72,096,255, C>T. VCF-style: chr16-72096255-C-T. GRCh37 (hg19) VCF-style: chr16-72130154-C-T.
Other names: short protein forms A33V.
Identifiers: ClinVar variation 849099 (VCV000849099.12), dbSNP rs2042016438, ClinGen allele CA396699046.
Genomic context (GRCh38, chr16:72,096,255, plus strand): 5'-TGGAAGGCACTGATCTGGACTGTCAGGTTGGTGGTCTTATTTGCAAGTCCAAAAGTGCGG[C>T]CAGCGAGCAGCATGTCTTCAAGGCTCCTGCTCCCCGCCCTTCATTACTCGGACTGGACTT-3'
Protein context (NP_054722.2, residues 23-43): GGLICKSKSA[Ala33Val]SEQHVFKAPA